The following is an entry in ClinVar:

ClinVar aggregate classification (germline): Uncertain significance. Review status: criteria provided, multiple submitters, no conflicts (2 of 4 stars). 2 submissions from 2 submitters: Uncertain significance (2). Last evaluated 2022-09-12.

Conditions:
Charcot-Marie-Tooth disease type 2. Also called: Charcot-Marie-Tooth type 2. Identifiers: Orphanet 64746, MedGen C0270914, MONDO:0018993.

Submissions (2):

Labcorp Genetics (formerly Invitae), Labcorp
Classification: Uncertain significance for Charcot-Marie-Tooth disease type 2. Last evaluated: 2022-09-12. Review status: criteria provided, single submitter. Criteria: Invitae Variant Classification Sherloc (09022015). Collection method: clinical testing. Allele origin: germline.
Comment: In summary, the available evidence is currently insufficient to determine the role of this variant in disease. Therefore, it has been classified as a Variant of Uncertain Significance. This variant has not been reported in the literature in individuals affected with MFN2-related conditions. This variant is not present in population databases (gnomAD no frequency). This variant, c.824_826dup, results in the insertion of 1 amino acid(s) of the MFN2 protein (p.Arg275dup), but otherwise preserves the integrity of the reading frame.

Mayo Clinic Laboratories, Mayo Clinic
Classification: Uncertain significance. Last evaluated: 2022-03-16. Review status: criteria provided, single submitter. Criteria: ACMG Guidelines, 2015. Collection method: clinical testing. Allele origin: germline. Observed: 1 variant allele.
Comment: PM2, PM4

NM_014874.4(MFN2):c.821GGC[3] (p.Arg275_Gln276insArg)

Gene: MFN2 (mitofusin 2; plus strand). Cytogenetic location: 1p36.22.
Variant type: Microsatellite.
Coding change: c.821GGC[3] on transcript NM_014874.4 (MANE Select); three copies in a row of the 3-base unit GGC starting at c.821; the reference has two copies in a row; one copy, 3 bases duplicated; also written c.824_826dup.
Protein change: p.Arg275_Gln276insArg.
Molecular consequence: inframe insertion. On other transcripts: inframe indel (1).
Genome position (GRCh38, 1-based): chr1:12,001,408-12,001,410, GGC duplicated; duplicating any 3 consecutive bases within chr1:12,001,403-12,001,410 gives the same sequence; the position shown is the placement nearest the transcript's 3' end. VCF-style (leftmost placement, unchanged base first): chr1-12001402-T-TGCG. GRCh37 (hg19) VCF-style: chr1-12061459-T-TGCG.
Other names: p.Arg275dup; c.821GGC[3], p.Arg275_Gln276insArg (NM_001127660.2); c.821_823GGC[3], p.Arg275_Gln276insArg (NM_014874.3); c.824_826dup (NM_014874.3).
Identifiers: ClinVar variation 2029908 (VCV002029908.5), dbSNP rs2523053527, ClinGen allele CA2580611408.